The following is an entry in ClinVar:

NM_001365999.1(SZT2):c.6712G>T (p.Ala2238Ser)

Gene: SZT2 (SZT2 subunit of KICSTOR complex; plus strand). Cytogenetic location: 1p34.2.
Variant type: single nucleotide variant.
Coding change: c.6712G>T on transcript NM_001365999.1 (MANE Select); coding-DNA position 6712, G replaced by T.
Protein change: p.Ala2238Ser; replaces alanine 2238 with serine.
Molecular consequence: missense variant.
Genome position (GRCh38, 1-based): chr1:43,439,013, G>T. VCF-style: chr1-43439013-G-T. GRCh37 (hg19) VCF-style: chr1-43904684-G-T.
Other names: c.6541G>T, p.Ala2181Ser (NM_015284.4); short protein forms A2181S, A2238S.
Identifiers: ClinVar variation 2415749 (VCV002415749.3), dbSNP rs1654764438, ClinGen allele CA340031839.

ClinVar aggregate classification (germline): Uncertain significance (1 of 4 stars; one submission).

Allele frequency attached by ClinVar (database versions not stated): TOPMed below 0.00001; gnomAD exomes 0.00001.
gnomAD v4.1: 4 of 1,614,150 alleles (0.00025%); highest among the groups gnomAD compares: Admixed American, 0.0017%; no homozygotes.

Submission:

Labcorp Genetics (formerly Invitae), Labcorp
Classification: Uncertain significance. Last evaluated: 2022-05-22. Review status: criteria provided, single submitter. Criteria: Invitae Variant Classification Sherloc (09022015). Collection method: clinical testing. Allele origin: germline.
Comment: This sequence change replaces alanine, which is neutral and non-polar, with serine, which is neutral and polar, at codon 2181 of the SZT2 protein (p.Ala2181Ser). This variant is not present in population databases (gnomAD no frequency). This variant has not been reported in the literature in individuals affected with SZT2-related conditions. Algorithms developed to predict the effect of missense changes on protein structure and function (SIFT, PolyPhen-2, Align-GVGD) all suggest that this variant is likely to be tolerated. In summary, the available evidence is currently insufficient to determine the role of this variant in disease. Therefore, it has been classified as a Variant of Uncertain Significance.